The following is an entry in ClinVar:

ClinVar aggregate classification (germline): Uncertain significance (1 of 4 stars; one submission).

Conditions:
Multiple congenital anomalies-hypotonia-seizures syndrome 1 (MCAHS1). Also called: PIGN-CDG; Congenital disorder of glycosylation due to PIGN deficiency; GLYCOSYLPHOSPHATIDYLINOSITOL BIOSYNTHESIS DEFECT 3. Identifiers: Orphanet 280633, MedGen C3279775, MONDO:0013563, OMIM 614080.

Allele frequency attached by ClinVar (database versions not stated): gnomAD 0.00001 and 0.00002; gnomAD exomes 0.00001; ExAC 0.00003; TOPMed 0.00003.
gnomAD v4.1: 7 of 1,610,780 alleles (0.00043%); highest among the groups gnomAD compares: African/African-American, 0.0067%; no homozygotes.

Submission:

Labcorp Genetics (formerly Invitae), Labcorp
Classification: Uncertain significance for Multiple congenital anomalies-hypotonia-seizures syndrome 1. Last evaluated: 2021-08-26. Review status: criteria provided, single submitter. Criteria: Invitae Variant Classification Sherloc (09022015). Collection method: clinical testing. Allele origin: germline.
Comment: This sequence change replaces serine with proline at codon 719 of the PIGN protein (p.Ser719Pro). The serine residue is moderately conserved and there is a moderate physicochemical difference between serine and proline. This variant is present in population databases (rs781515326, ExAC 0.03%). This variant has not been reported in the literature in individuals affected with PIGN-related conditions. Algorithms developed to predict the effect of missense changes on protein structure and function output the following: SIFT: "Tolerated"; PolyPhen-2: "Benign"; Align-GVGD: "Class C0". The proline amino acid residue is found in multiple mammalian species, which suggests that this missense change does not adversely affect protein function. In summary, the available evidence is currently insufficient to determine the role of this variant in disease. Therefore, it has been classified as a Variant of Uncertain Significance.

NM_176787.5(PIGN):c.2155T>C (p.Ser719Pro)

Gene: PIGN (phosphatidylinositol glycan anchor biosynthesis class N; minus strand). Cytogenetic location: 18q21.33.
Variant type: single nucleotide variant.
Coding change: c.2155T>C on transcript NM_176787.5 (MANE Select); coding-DNA position 2155, T replaced by C.
Protein change: p.Ser719Pro; replaces serine 719 with proline.
Molecular consequence: missense variant.
Genome position (GRCh38, 1-based): chr18:62,095,873, A>G on the plus strand (T>C on the coding strand, the complement: PIGN is on the minus strand). VCF-style: chr18-62095873-A-G. GRCh37 (hg19) VCF-style: chr18-59763106-A-G.
Other names: c.2155T>C, p.Ser719Pro (NM_012327.6); short protein forms S719P.
Identifiers: ClinVar variation 954080 (VCV000954080.7), dbSNP rs781515326, ClinGen allele CA8982070.
Genomic context (GRCh38, chr18:62,095,873, plus strand): 5'-GCTGCTATAAAATTAAATTGTTAAAAAGTTTATACCCTGTGCTTAGAAGTAGGTAGGTTG[A>G]CATCAATGAAAGAAGTATGCTGAACAATCGCTGAAAGAGAACTGGAGAACTCAGTAGTGG-3'
Protein context (NP_789744.1, residues 709-729): RLFSILLSLM[Ser719Pro]TYLLLSTGYE